The following is an entry in ClinVar:

ClinVar aggregate classification (germline): Pathogenic. Review status: criteria provided, single submitter (1 of 4 stars). 2 submissions from 2 submitters: Pathogenic (1). 1 of the submissions does not count toward it. Last evaluated 2023-12-12.

Conditions:
Zellweger spectrum disorders (ZS). Also called: Zellweger Spectrum Disorder; Zellweger Spectrum; Zellweger syndrome; Zellweger Spectrum Disorder (ZSD). Identifiers: Orphanet 912, MedGen C0043459, MONDO:0019609.
Peroxisome biogenesis disorder 1A (Zellweger) (PBD1A). Also called: Peroxisome biogenesis disorder 1a; Zellweger leukodystrophy. Identifiers: MedGen C4721541, MONDO:0008953, OMIM 214100.

Allele frequency attached by ClinVar (database versions not stated): gnomAD exomes below 0.00001.

Submissions (2):

Labcorp Genetics (formerly Invitae), Labcorp
Classification: Pathogenic for Zellweger spectrum disorders. Last evaluated: 2023-12-12. Review status: criteria provided, single submitter. Criteria: Invitae Variant Classification Sherloc (09022015). Collection method: clinical testing. Allele origin: germline.
Comment: This sequence change affects the initiator methionine of the PEX1 mRNA. The next in-frame methionine is located at codon 209. This variant is not present in population databases (gnomAD no frequency). Disruption of the initiator codon has been observed in individuals with Zellweger spectrum disorder (PMID: 21031596, 28468868). ClinVar contains an entry for this variant (Variation ID: 189106). For these reasons, this variant has been classified as Pathogenic.

Counsyl
Classification: Likely pathogenic for Zellweger syndrome. Last evaluated: 2014-12-24. Review status: no assertion criteria provided. Collection method: literature only. Allele origin: unknown. Inheritance: Autosomal recessive inheritance. Not counted in ClinVar's aggregate classification.

Literature cited by the submitters: PubMed 21031596 (cited by Labcorp Genetics (formerly Invitae), Labcorp and Counsyl); PubMed 28468868 (cited by Labcorp Genetics (formerly Invitae), Labcorp).

NM_000466.3(PEX1):c.3G>A (p.Met1Ile)

Genes: PEX1 (peroxisomal biogenesis factor 1; minus strand), LOC129998796 (ATAC-STARR-seq lymphoblastoid silent region 18372; plus strand). Cytogenetic location: 7q21.2.
Variant type: single nucleotide variant.
Coding change: c.3G>A on transcript NM_000466.3 (MANE Select); coding-DNA position 3, G replaced by A.
Protein change: p.Met1Ile; changes the start codon (methionine 1).
Molecular consequence: missense variant, initiator codon variant. On other transcripts: 5 prime UTR variant (1).
Genome position (GRCh38, 1-based): chr7:92,528,433, C>T on the plus strand (G>A on the coding strand, the complement: PEX1 is on the minus strand). VCF-style: chr7-92528433-C-T. GRCh37 (hg19) VCF-style: chr7-92157747-C-T.
Other names: c.3G>A, p.Met1Ile (NM_001282677.2); c.-657G>A (NM_001282678.2); short protein forms M1I.
Identifiers: ClinVar variation 189106 (VCV000189106.7), dbSNP rs786204704, ClinGen allele CA274384.